The following is an entry in ClinVar:

NM_006282.5(STK4):c.1344C>T (p.Leu448=)

Gene: STK4 (serine/threonine kinase 4; plus strand). Cytogenetic location: 20q13.12.
Variant type: single nucleotide variant.
Coding change: c.1344C>T on transcript NM_006282.5 (MANE Select); coding-DNA position 1344, C replaced by T.
Protein change: p.Leu448=; no amino-acid change (leucine 448 retained).
Molecular consequence: synonymous variant. On other transcripts: 3 prime UTR variant (1).
Genome position (GRCh38, 1-based): chr20:45,075,056, C>T. VCF-style: chr20-45075056-C-T. GRCh37 (hg19) VCF-style: chr20-43703697-C-T.
Other names: c.*50C>T (NM_001352385.2).
Identifiers: ClinVar variation 540527 (VCV000540527.15), dbSNP rs142232604, ClinGen allele CA9874072.
Genomic context (GRCh38, chr20:45,075,056, plus strand): 5'-ATACCTTCCACTTCTCTTCTAGCTTAAGAGTTGGACAGTGGAGGACCTTCAGAAGAGGCT[C>T]TTGGCCCTGGACCCCATGATGGAGCAGGAGATTGAAGAGATCCGGCAGAAGTACCAGTCC-3'
Protein context (NP_006273.1, residues 438-458): SWTVEDLQKR[Leu448=]LALDPMMEQE

ClinVar aggregate classification (germline): Benign/Likely benign. Review status: criteria provided, multiple submitters, no conflicts (2 of 4 stars). 3 submissions from 3 submitters: Benign (1); Likely benign (1). 1 of the submissions does not count toward it. Last evaluated 2026-01-27.

Conditions:
STK4-related disorder. Also called: STK4-related condition.
Combined immunodeficiency due to STK4 deficiency (IMD110). Also called: T-cell immunodeficiency, recurrent infections, and autoimmunity with or without cardiac malformations; STK4 DEFICIENCY; MST1 DEFICIENCY. Identifiers: Orphanet 314689, MedGen C3553943, MONDO:0013934, OMIM 614868.

Allele frequency attached by ClinVar (database versions not stated): gnomAD exomes 0.00018 and 0.00040; gnomAD 0.00206 and 0.00191; TOPMed 0.00225; ESP Exome Variant Server 0.00231; ExAC 0.00057; 1000 Genomes Project 0.00140; 1000 Genomes Project 30x 0.00141.
gnomAD v4.1: 559 of 1,614,198 alleles (0.035%); highest among the groups gnomAD compares: African/African-American, 0.68%; 1 homozygote.

Submissions (3):

Labcorp Genetics (formerly Invitae), Labcorp
Classification: Benign for Combined immunodeficiency due to STK4 deficiency. Last evaluated: 2026-01-27. Review status: criteria provided, single submitter. Criteria: Invitae Variant Classification Sherloc (09022015). Collection method: clinical testing. Allele origin: germline.

Blueprint Genetics
Classification: Likely benign. Last evaluated: 2024-07-23. Review status: criteria provided, single submitter. Criteria: ACMG Guidelines, 2015. Collection method: clinical testing. Allele origin: germline.

PreventionGenetics, part of Exact Sciences
Classification: Likely benign for STK4-related condition. Last evaluated: 2019-08-09. Review status: no assertion criteria provided. Collection method: clinical testing. Allele origin: germline. Not counted in ClinVar's aggregate classification.
Comment: This variant is classified as likely benign based on ACMG/AMP sequence variant interpretation guidelines (Richards et al. 2015 PMID: 25741868, with internal and published modifications).